The following is an entry in ClinVar:

ClinVar aggregate classification (germline): Uncertain significance (1 of 4 stars; one submission).

Conditions:
Lipodystrophy, partial, acquired, susceptibility to (APLD). Also called: APLD, SUSCEPTIBILITY TO. Identifiers: MedGen C3887501, MONDO:0100476, OMIM 608709.
Progressive myoclonic epilepsy type 9. Identifiers: Orphanet 457265, MedGen C4225289, MONDO:0014685, OMIM 616540.

Submission:

Labcorp Genetics (formerly Invitae), Labcorp
Classification: Uncertain significance for Progressive myoclonic epilepsy type 9; Lipodystrophy, partial, acquired, susceptibility to. Last evaluated: 2022-06-01. Review status: criteria provided, single submitter. Criteria: Invitae Variant Classification Sherloc (09022015). Collection method: clinical testing. Allele origin: germline.
Comment: This sequence change replaces glycine, which is neutral and non-polar, with valine, which is neutral and non-polar, at codon 616 of the LMNB2 protein (p.Gly616Val). This variant is not present in population databases (gnomAD no frequency). This variant has not been reported in the literature in individuals affected with LMNB2-related conditions. Algorithms developed to predict the effect of missense changes on protein structure and function are either unavailable or do not agree on the potential impact of this missense change (SIFT: "Deleterious"; PolyPhen-2: "Probably Damaging"; Align-GVGD: "Class C0"). In summary, the available evidence is currently insufficient to determine the role of this variant in disease. Therefore, it has been classified as a Variant of Uncertain Significance.

NM_032737.4(LMNB2):c.1847G>T (p.Gly616Val)

Gene: LMNB2 (lamin B2; minus strand). Cytogenetic location: 19p13.3.
Variant type: single nucleotide variant.
Coding change: c.1847G>T on transcript NM_032737.4 (MANE Select); coding-DNA position 1847, G replaced by T.
Protein change: p.Gly616Val; replaces glycine 616 with valine.
Molecular consequence: missense variant.
Genome position (GRCh38, 1-based): chr19:2,430,927, C>A on the plus strand (G>T on the coding strand, the complement: LMNB2 is on the minus strand). VCF-style: chr19-2430927-C-A. GRCh37 (hg19) VCF-style: chr19-2430925-C-A.
Other names: short protein forms G616V.
Identifiers: ClinVar variation 2001651 (VCV002001651.4), dbSNP rs2512231338, ClinGen allele CA403248767.
Genomic context (GRCh38, chr19:2,430,927, plus strand): 5'-AGTGGCTCTGGGTAAAGAAAGGTGTGTGGATGAGGAGTGTGGGTTCACATCACGTAGCAG[C>A]CTCTTGAGGTGGTCCTCGGGTCCCCCTGCAGGAAGGAAGGAAGGAAGGTCGGCCATGATC-3'
Protein context (NP_116126.3, residues 606-620): QQGDPRTTSR[Gly616Val]CYVM